The following is an entry in ClinVar:

NM_144573.4(NEXN):c.1085A>C (p.Lys362Thr)

Gene: NEXN (nexilin F-actin binding protein; plus strand). Cytogenetic location: 1p31.1.
Variant type: single nucleotide variant.
Coding change: c.1085A>C on transcript NM_144573.4 (MANE Select); coding-DNA position 1085, A replaced by C.
Protein change: p.Lys362Thr; replaces lysine 362 with threonine.
Molecular consequence: missense variant.
Genome position (GRCh38, 1-based): chr1:77,933,313, A>C. VCF-style: chr1-77933313-A-C. GRCh37 (hg19) VCF-style: chr1-78398998-A-C.
Other names: c.893A>C, p.Lys298Thr (NM_001172309.2); short protein forms K362T, K298T.
Identifiers: ClinVar variation 3878964 (VCV003878964.1).

ClinVar aggregate classification (germline): Uncertain significance (1 of 4 stars; one submission).

Conditions:
Cardiovascular phenotype. Identifiers: MedGen CN230736.

Submission:

Ambry Genetics
Classification: Uncertain significance for Cardiovascular phenotype. Last evaluated: 2025-03-09. Review status: criteria provided, single submitter. Criteria: Ambry Variant Classification Scheme 2023. Collection method: clinical testing. Allele origin: germline.
Comment: The p.K362T variant (also known as c.1085A>C), located in coding exon 9 of the NEXN gene, results from an A to C substitution at nucleotide position 1085. The lysine at codon 362 is replaced by threonine, an amino acid with similar properties. This amino acid position is conserved. In addition, the in silico prediction for this alteration is inconclusive. Based on the available evidence, the clinical significance of this variant remains unclear.